The following is an entry in ClinVar:

NM_138694.4(PKHD1):c.5231A>G (p.Asn1744Ser)

Genes: PKHD1 (PKHD1 ciliary IPT domain containing fibrocystin/polyductin; minus strand), LOC126859690 (MED14-independent group 3 enhancer GRCh37_chr6:51888848-51890047; plus strand). Cytogenetic location: 6p12.2.
Variant type: single nucleotide variant.
Coding change: c.5231A>G on transcript NM_138694.4 (MANE Select); coding-DNA position 5231, A replaced by G.
Protein change: p.Asn1744Ser; replaces asparagine 1744 with serine.
Molecular consequence: missense variant.
Genome position (GRCh38, 1-based): chr6:52,024,579, T>C on the plus strand (A>G on the coding strand, the complement: PKHD1 is on the minus strand). VCF-style: chr6-52024579-T-C. GRCh37 (hg19) VCF-style: chr6-51889377-T-C.
Other names: c.5231A>G, p.Asn1744Ser (NM_170724.3); short protein forms N1744S.
Identifiers: ClinVar variation 1304574 (VCV001304574.7), dbSNP rs746705122, ClinGen allele CA3852585.

ClinVar aggregate classification (germline): Uncertain significance. Review status: criteria provided, multiple submitters, no conflicts (2 of 4 stars). 4 submissions from 4 submitters: Uncertain significance (4). Last evaluated 2024-01-30.

Conditions:
Polycystic kidney disease 4 (PKD4). Also called: POLYCYSTIC KIDNEY AND HEPATIC DISEASE 1; POLYCYSTIC KIDNEY DISEASE, INFANTILE, TYPE I; PKD3; POLYCYSTIC KIDNEY DISEASE 4 WITH OR WITHOUT POLYCYSTIC LIVER DISEASE; Autosomal Recessive Polycystic Kidney Disease – PKHD1. Identifiers: MedGen C4540575, MONDO:0033004, OMIM 263200.

Allele frequency attached by ClinVar (database versions not stated): gnomAD 0.00001; gnomAD exomes 0.00002 and 0.00003; ExAC 0.00003.
gnomAD v4.1: 30 of 1,613,894 alleles (0.0019%); highest among the groups gnomAD compares: South Asian, 0.015%; no homozygotes.

Submissions (4):

Fulgent Genetics
Classification: Uncertain significance for Polycystic kidney disease 4. Last evaluated: 2024-01-30. Review status: criteria provided, single submitter. Criteria: ACMG Guidelines, 2015. Collection method: clinical testing. Allele origin: germline.

Blueprint Genetics
Classification: Uncertain significance. Last evaluated: 2023-01-25. Review status: criteria provided, single submitter. Criteria: ACMG Guidelines, 2015. Collection method: clinical testing. Allele origin: germline.

GeneDx
Classification: Uncertain significance. Last evaluated: 2019-05-16. Review status: criteria provided, single submitter. Criteria: GeneDx Variant Classification Process June 2021. Collection method: clinical testing. Allele origin: germline. Affected: yes.
Comment: In silico analysis, which includes protein predictors and evolutionary conservation, supports a deleterious effect; Has not been previously published as pathogenic or benign to our knowledge; This variant is associated with the following publications: (PMID: 30076350)

Juno Genomics, Hangzhou Juno Genomics, Inc
Classification: Uncertain significance for Polycystic kidney disease 4. Review status: criteria provided, single submitter. Criteria: ACMG Guidelines, 2015. Collection method: clinical testing. Allele origin: germline.
Comment: Absent from controls (or at extremely low frequency if recessive) in Genome Aggregation Database.;For recessive disorders, detected in trans with a pathogenic variant.;Patient's phenotype or family history is highly specific for a disease with a single genetic etiology.